The following is an entry in ClinVar:

NM_004235.6(KLF4):c.712C>T (p.Pro238Ser)

Gene: KLF4 (KLF transcription factor 4; minus strand). Cytogenetic location: 9q31.2.
Variant type: single nucleotide variant.
Coding change: c.712C>T on transcript NM_004235.6 (MANE Select); coding-DNA position 712, C replaced by T.
Protein change: p.Pro238Ser; replaces proline 238 with serine.
Molecular consequence: missense variant.
Genome position (GRCh38, 1-based): chr9:107,487,682, G>A on the plus strand (C>T on the coding strand, the complement: KLF4 is on the minus strand). VCF-style: chr9-107487682-G-A. GRCh37 (hg19) VCF-style: chr9-110249963-G-A.
Other names: c.712C>T, p.Pro238Ser (NM_001314052.2); short protein forms P238S.
Identifiers: ClinVar variation 4988292 (VCV004988292.1).

ClinVar aggregate classification (germline): Likely benign (1 of 4 stars; one submission).

Conditions:
KLF4-related disorder. Also called: KLF4-related condition.

Submission:

PreventionGenetics, part of Exact Sciences
Classification: Likely benign for KLF4-related condition. Last evaluated: 2024-12-19. Review status: criteria provided, single submitter. Criteria: ACMG Guidelines, 2015. Collection method: clinical testing. Allele origin: germline.
Comment: This variant is classified as likely benign based on ACMG/AMP sequence variant interpretation guidelines (Richards et al. 2015 PMID: 25741868, with internal and published modifications).